The following is an entry in ClinVar:

NM_004187.5(KDM5C):c.1046A>G (p.Tyr349Cys)

Gene: KDM5C (lysine demethylase 5C; minus strand). Cytogenetic location: Xp11.22.
Variant type: single nucleotide variant.
Coding change: c.1046A>G on transcript NM_004187.5 (MANE Select); coding-DNA position 1046, A replaced by G.
Protein change: p.Tyr349Cys; replaces tyrosine 349 with cysteine.
Molecular consequence: missense variant. On other transcripts: non-coding transcript variant (3).
Genome position (GRCh38, 1-based): chrX:53,214,765, T>C on the plus strand (A>G on the coding strand, the complement: KDM5C is on the minus strand). VCF-style: chrX-53214765-T-C. GRCh37 (hg19) VCF-style: chrX-53243947-T-C.
Other names: c.845A>G, p.Tyr282Cys (NM_001146702.2); c.1043A>G, p.Tyr348Cys (NM_001282622.3, NM_001353979.2, NM_001353982.2); c.1046A>G, p.Tyr349Cys (NM_001353978.3, NM_001353981.2, NM_001353984.2); short protein forms Y282C, Y348C, Y349C.
Identifiers: ClinVar variation 3897487 (VCV003897487.1).

ClinVar aggregate classification (germline): Uncertain significance (1 of 4 stars; one submission).

Submission:

GeneDx
Classification: Uncertain significance. Last evaluated: 2024-10-29. Review status: criteria provided, single submitter. Criteria: GeneDx Variant Classification Process June 2021. Collection method: clinical testing. Allele origin: germline. Affected: yes.
Comment: Not observed at significant frequency in large population cohorts (gnomAD); In silico analysis supports that this missense variant has a deleterious effect on protein structure/function; Has not been previously published as pathogenic or benign to our knowledge